The following is an entry in ClinVar:

NM_144997.7(FLCN):c.1573G>A (p.Asp525Asn)

Gene: FLCN (folliculin; minus strand). Cytogenetic location: 17p11.2.
Variant type: single nucleotide variant.
Coding change: c.1573G>A on transcript NM_144997.7 (MANE Select); coding-DNA position 1573, G replaced by A.
Protein change: p.Asp525Asn; replaces aspartic acid 525 with asparagine.
Molecular consequence: missense variant.
Genome position (GRCh38, 1-based): chr17:17,213,822, C>T on the plus strand (G>A on the coding strand, the complement: FLCN is on the minus strand). VCF-style: chr17-17213822-C-T. GRCh37 (hg19) VCF-style: chr17-17117136-C-T.
Other names: c.1627G>A, p.Asp543Asn (NM_001353229.2); c.1573G>A, p.Asp525Asn (NM_001353230.2, NM_001353231.2); short protein forms D543N, D525N.
Identifiers: ClinVar variation 5021843 (VCV005021843.1).

ClinVar aggregate classification (germline): Uncertain significance (1 of 4 stars; one submission).

Conditions:
Hereditary cancer-predisposing syndrome. Also called: Neoplastic Syndromes, Hereditary; Tumor predisposition; Hereditary neoplastic syndrome; Hereditary Cancer Syndrome. Identifiers: Orphanet 140162, MedGen C0027672, MeSH D009386, MONDO:0015356.

Submission:

Ambry Genetics
Classification: Uncertain significance for Hereditary cancer-predisposing syndrome. Last evaluated: 2026-07-07. Review status: criteria provided, single submitter. Criteria: Ambry Variant Classification Scheme 2023. Collection method: clinical testing. Allele origin: germline.
Comment: The p.D525N variant (also known as c.1573G>A), located in coding exon 11 of the FLCN gene, results from a G to A substitution at nucleotide position 1573. The aspartic acid at codon 525 is replaced by asparagine, an amino acid with highly similar properties. This amino acid position is conserved. In addition, this alteration is predicted to be tolerated by in silico analysis. Based on the available evidence, the clinical significance of this variant remains unclear.